The following is an entry in ClinVar:

NM_030665.4(RAI1):c.2028C>T (p.Gly676=)

Gene: RAI1 (retinoic acid induced 1; plus strand). Cytogenetic location: 17p11.2.
Variant type: single nucleotide variant.
Coding change: c.2028C>T on transcript NM_030665.4 (MANE Select); coding-DNA position 2028, C replaced by T.
Protein change: p.Gly676=; no amino-acid change (glycine 676 retained).
Molecular consequence: synonymous variant.
Genome position (GRCh38, 1-based): chr17:17,794,976, C>T. VCF-style: chr17-17794976-C-T. GRCh37 (hg19) VCF-style: chr17-17698290-C-T.
Identifiers: ClinVar variation 1223091 (VCV001223091.9), dbSNP rs1030980998, ClinGen allele CA288368099.
Genomic context (GRCh38, chr17:17,794,976, plus strand): 5'-TGCGTGGCCCCGGCCTGGGGAGCCGGAGGCCCTGCCCGACTCCTTGCAGCTGGACAAGGG[C>T]GGCAATGCCAAGGACTTCAGCCCAGGGCTGTTTGAAGACCCTTCCGTGGCCTTCGCTACG-3'
Protein context (NP_109590.3, residues 666-686): ALPDSLQLDK[Gly676=]GNAKDFSPGL

ClinVar aggregate classification (germline): Likely benign. Review status: criteria provided, multiple submitters, no conflicts (2 of 4 stars). 3 submissions from 3 submitters: Likely benign (2). 1 of the submissions does not count toward it. Last evaluated 2025-07-23.

Conditions:
RAI1-related disorder. Also called: RAI1-related condition.

Allele frequency attached by ClinVar (database versions not stated): gnomAD 0.00001; gnomAD exomes 0.00001; TOPMed 0.00003.
gnomAD v4.1: 8 of 1,613,800 alleles (0.0005%); highest among the groups gnomAD compares: Admixed American, 0.0083%; no homozygotes.

Submissions (3):

Labcorp Genetics (formerly Invitae), Labcorp
Classification: Likely benign. Last evaluated: 2025-07-23. Review status: criteria provided, single submitter. Criteria: Invitae Variant Classification Sherloc (09022015). Collection method: clinical testing. Allele origin: germline.

GeneDx
Classification: Likely benign. Last evaluated: 2020-01-17. Review status: criteria provided, single submitter. Criteria: GeneDx Variant Classification Process June 2021. Collection method: clinical testing. Allele origin: germline. Affected: yes.

PreventionGenetics, part of Exact Sciences
Classification: Likely benign for RAI1-related condition. Last evaluated: 2022-05-16. Review status: no assertion criteria provided. Collection method: clinical testing. Allele origin: germline. Not counted in ClinVar's aggregate classification.
Comment: This variant is classified as likely benign based on ACMG/AMP sequence variant interpretation guidelines (Richards et al. 2015 PMID: 25741868, with internal and published modifications).